The following is an entry in ClinVar:

ClinVar aggregate classification (germline): Uncertain significance. Review status: criteria provided, multiple submitters, no conflicts (2 of 4 stars). 2 submissions from 2 submitters: Uncertain significance (2). Last evaluated 2025-03-17.

Conditions:
TMEM165-congenital disorder of glycosylation. Also called: TMEM165-CDG; Congenital disorder of glycosylation type 2k; CDG IIk. Identifiers: Orphanet 314667, MedGen C3553571, MONDO:0013870, OMIM 614727.

Allele frequency attached by ClinVar (database versions not stated): TOPMed 0.00001; ExAC 0.00002; gnomAD 0.00002; gnomAD exomes 0.00001.
gnomAD v4.1: 13 of 1,614,052 alleles (0.00081%); highest among the groups gnomAD compares: African/African-American, 0.0027%; no homozygotes.

Submissions (2):

Ambry Genetics
Classification: Uncertain significance. Last evaluated: 2025-03-17. Review status: criteria provided, single submitter. Criteria: Ambry Variant Classification Scheme 2023. Collection method: clinical testing. Allele origin: germline.

Labcorp Genetics (formerly Invitae), Labcorp
Classification: Uncertain significance for TMEM165-congenital disorder of glycosylation. Last evaluated: 2022-07-29. Review status: criteria provided, single submitter. Criteria: Invitae Variant Classification Sherloc (09022015). Collection method: clinical testing. Allele origin: germline.
Comment: This sequence change replaces asparagine, which is neutral and polar, with serine, which is neutral and polar, at codon 81 of the TMEM165 protein (p.Asn81Ser). This variant is present in population databases (rs370509809, gnomAD 0.0009%). This variant has not been reported in the literature in individuals affected with TMEM165-related conditions. Algorithms developed to predict the effect of missense changes on protein structure and function output the following: SIFT: "Tolerated"; PolyPhen-2: "Benign"; Align-GVGD: "Class C0". The serine amino acid residue is found in multiple mammalian species, which suggests that this missense change does not adversely affect protein function. In summary, the available evidence is currently insufficient to determine the role of this variant in disease. Therefore, it has been classified as a Variant of Uncertain Significance.

NM_018475.5(TMEM165):c.242A>G (p.Asn81Ser)

Gene: TMEM165 (transmembrane protein 165; plus strand). Cytogenetic location: 4q12.
Variant type: single nucleotide variant.
Coding change: c.242A>G on transcript NM_018475.5 (MANE Select); coding-DNA position 242, A replaced by G.
Protein change: p.Asn81Ser; replaces asparagine 81 with serine.
Molecular consequence: missense variant. On other transcripts: non-coding transcript variant (1).
Genome position (GRCh38, 1-based): chr4:55,411,648, A>G. VCF-style: chr4-55411648-A-G. GRCh37 (hg19) VCF-style: chr4-56277815-A-G.
Other names: c.242A>G (NM_018475.3); short protein forms N81S.
Identifiers: ClinVar variation 1980924 (VCV001980924.2), dbSNP rs370509809, ClinGen allele CA2925484.